The following is an entry in ClinVar:

ClinVar aggregate classification (germline): Benign (1 of 4 stars; one submission).

Conditions:
Leigh syndrome (NULS). Also called: Leigh's necrotizing encephalopathy; Leigh's disease; Leigh Syndrome (mtDNA deletion); Leigh Disease; Subacute necrotizing encephalopathy; Necrotizing encephalopathy infantile subacute of Leigh. Identifiers: Orphanet 506, MedGen C2931891, MONDO:0009723, OMIM 256000.

Submission:

Wong Mito Lab, Molecular and Human Genetics, Baylor College of Medicine
Classification: Benign for Leigh syndrome. Last evaluated: 2019-10-17. Review status: criteria provided, single submitter. Criteria: Modified ACMG Guidelines (Unpublished). Collection method: clinical testing. Allele origin: germline.
Comment: The NC_012920.1:m.7146A>G (YP_003024028.1:p.Thr415Ala) variant in MTCO1 gene is interpretated to be a Benign variant based on the modified ACMG guidelines (unpublished). This variant meets the following evidence codes: BA1

NC_012920.1(MT-CO1):m.7146A>G

Gene: MT-CO1 (mitochondrially encoded cytochrome c oxidase I; plus strand).
Variant type: single nucleotide variant.
Genome position: chrM-7146-A-G.
Identifiers: ClinVar variation 692704 (VCV000692704.1), dbSNP rs372136420, ClinGen allele CA337097559.